The following is an entry in ClinVar:

ClinVar aggregate classification (germline): Likely benign. Review status: reviewed by expert panel (3 of 4 stars). 3 submissions from 3 submitters: Likely benign (1). 2 of the submissions do not count toward it. Last evaluated 2025-10-28.

Conditions:
DICER1-related tumor predisposition. Also called: DICER1 syndrome; DICER1-related pleuropulmonary blastoma cancer predisposition syndrome. Identifiers: Orphanet 284343, MedGen C3839822, MONDO:0100216.
Hereditary cancer-predisposing syndrome. Also called: Neoplastic Syndromes, Hereditary; Hereditary Cancer Syndrome; Tumor predisposition; Hereditary neoplastic syndrome. Identifiers: Orphanet 140162, MedGen C0027672, MeSH D009386, MONDO:0015356.

Allele frequency attached by ClinVar (database versions not stated): ExAC 0.00007; gnomAD 0.00012 and 0.00013; gnomAD exomes 0.00012 and 0.00014.
gnomAD v4.1: 95 of 1,614,070 alleles (0.0059%); highest among the groups gnomAD compares: Non-Finnish European, 0.00025%; no homozygotes.

Submissions (3):

ClinGen DICER1 and miRNA-Processing Gene Variant Curation Expert Panel, ClinGen
Classification: Likely benign for DICER1-related tumor predisposition. Last evaluated: 2025-10-28. Review status: reviewed by expert panel. Criteria: ClinGen DICER1 ACMG Specifications DICER1 V1.4.0. Collection method: curation. Allele origin: germline. Inheritance: Autosomal dominant inheritance.
Comment: The NM_177438.2:c.3828T>A variant in DICER1 is a missense variant predicted to cause substitution of aspartic acid by glutamic acid at amino acid 1276 (p.Asp1276Glu). Although this variant has been observed in individuals undergoing genetic sequencing, to our knowledge, this variant has not been reported in individuals with DICER1-related tumor predisposition (PS4 not met; Internal lab contributors). The highest population minor allele frequency in gnomAD v4.1.0 is 0.001374 (88/64032 alleles) in the European (Finnish) population, which is higher than the ClinGen DICER1 VCEP threshold (>0.0003) for BS1, and therefore meets this criterion (BS1). In silico tools predict no damaging impact of the variant on protein function (REVEL: 0.09; MaxEntScan and SpliceAI: no effect on splicing) (BP4). In summary, this variant meets the criteria to be classified as Likely Benign for DICER1-related tumor predisposition based on the ACMG/AMP criteria applied, as specified by the ClinGen DICER1 VCEP: BS1, BP4. (Bayesian Points: -5; VCEP specifications version 1.4.0, 10/28/2025)

Labcorp Genetics (formerly Invitae), Labcorp
Classification: Likely benign for DICER1-related tumor predisposition. Last evaluated: 2026-01-14. Review status: criteria provided, single submitter. Criteria: Invitae Variant Classification Sherloc (09022015). Collection method: clinical testing. Allele origin: germline. Not counted in ClinVar's aggregate classification.

Ambry Genetics
Classification: Likely benign for Hereditary cancer-predisposing syndrome. Last evaluated: 2025-11-20. Review status: criteria provided, single submitter. Criteria: Ambry Variant Classification Scheme 2023. Collection method: clinical testing. Allele origin: germline. Not counted in ClinVar's aggregate classification.

NM_177438.3(DICER1):c.3828T>A (p.Asp1276Glu)

Gene: DICER1 (dicer 1, ribonuclease III; minus strand). Cytogenetic location: 14q32.13.
Variant type: single nucleotide variant.
Coding change: c.3828T>A on transcript NM_177438.3 (MANE Select); coding-DNA position 3828, T replaced by A.
Protein change: p.Asp1276Glu; replaces aspartic acid 1276 with glutamic acid.
Molecular consequence: missense variant.
Genome position (GRCh38, 1-based): chr14:95,103,568, A>T on the plus strand (T>A on the coding strand, the complement: DICER1 is on the minus strand). VCF-style: chr14-95103568-A-T. GRCh37 (hg19) VCF-style: chr14-95569905-A-T.
Other names: NM_030621.4(DICER1):c.3828T>A; p.Asp1276Glu; c.3828T>A, p.Asp1276Glu (NM_001195573.1, NM_001271282.3, NM_001291628.2 and 1 more transcripts); short protein forms D1276E.
Identifiers: ClinVar variation 794388 (VCV000794388.17), dbSNP rs753013678, ClinGen allele CA7330980.
Genomic context (GRCh38, chr14:95,103,568, plus strand): 5'-AAGTCCAGGATTGGGGCCAAGAGTCCTTGAGGAGTACCCAATAGAAGGGCTCTGCTCAGA[A>T]TCCATCCTGCCCTTGAGCACTTGAATAGTGTCTGTCGTACCAGGCATTACGGCCATCACA-3'
Protein context (NP_803187.1, residues 1266-1286): DTIQVLKGRM[Asp1276Glu]SEQSPSIGYS